The following is an entry in ClinVar:

NM_017739.4(POMGNT1):c.701G>A (p.Trp234Ter)

Genes: POMGNT1 (protein O-linked mannose N-acetylglucosaminyltransferase 1 (beta 1,2-); minus strand), TSPAN1 (tetraspanin 1; plus strand). Cytogenetic location: 1p34.1.
Variant type: single nucleotide variant.
Coding change: c.701G>A on transcript NM_017739.4 (MANE Select); coding-DNA position 701, G replaced by A.
Protein change: p.Trp234Ter; replaces tryptophan 234 with a stop codon.
Molecular consequence: nonsense.
Genome position (GRCh38, 1-based): chr1:46,194,603, C>T on the plus strand (G>A on the coding strand, the complement: POMGNT1 is on the minus strand). VCF-style: chr1-46194603-C-T. GRCh37 (hg19) VCF-style: chr1-46660275-C-T.
Other names: c.701G>A, p.Trp234Ter (NM_001243766.2, NM_001410783.1); c.635G>A, p.Trp212Ter (NM_001290129.3); c.272G>A, p.Trp91Ter (NM_001290130.2); short protein forms W212*, W234*, W91*.
Identifiers: ClinVar variation 3381958 (VCV003381958.2).

ClinVar aggregate classification (germline): Likely pathogenic (1 of 4 stars; one submission).

Conditions:
Muscular dystrophy-dystroglycanopathy (congenital with brain and eye anomalies), type A3. Also called: Muscular dystrophy-dystroglycanopathy (congenital with brain and eye anomalies), type A, 3; WALKER-WARBURG SYNDROME OR MUSCLE-EYE-BRAIN DISEASE, POMGNT1-RELATED; Congenital muscular dystrophy-dystroglycanopathy with brain and eye anomalies, type A3. Identifiers: MedGen C3151519, MONDO:0009667, OMIM 253280.
Retinitis pigmentosa 76 (RP76). Identifiers: MedGen C4310704, MONDO:0014929, OMIM 617123.
Muscular dystrophy-dystroglycanopathy (congenital with impaired intellectual development), type B, 3. Also called: MUSCULAR DYSTROPHY, CONGENITAL, POMGNT1-RELATED; Muscular dystrophy-dystroglycanopathy (congenital with intellectual disability), type B3. Identifiers: MedGen C3150412, MONDO:0013155, OMIM 613151.
Autosomal recessive limb-girdle muscular dystrophy type 2O. Also called: Limb-Girdle Muscular Dystrophy Type 3C; MUSCULAR DYSTROPHY-DYSTROGLYCANOPATHY (LIMB-GIRDLE), TYPE C, 3; MUSCULAR DYSTROPHY-DYSTROGLYCANOPATHY, LIMB-GIRDLE, POMGNT1-RELATED. Identifiers: Orphanet 206564, MedGen C3150417, MONDO:0013161, OMIM 613157.

gnomAD v4.1: 1 of 1,614,090 alleles (0.000062%); highest among the groups gnomAD compares: Non-Finnish European, 0.000085%; no homozygotes.

Submission:

Juno Genomics, Hangzhou Juno Genomics, Inc
Classification: Likely pathogenic for Muscular dystrophy-dystroglycanopathy (congenital with impaired intellectual development), type B, 3; Muscular dystrophy-dystroglycanopathy (congenital with brain and eye anomalies), type A3; Autosomal recessive limb-girdle muscular dystrophy type 2O; Retinitis pigmentosa 76. Review status: criteria provided, single submitter. Criteria: ACMG Guidelines, 2015. Collection method: clinical testing. Allele origin: germline. Affected: yes.
Comment: Null variant in a gene where loss of function (LOF) is a known mechanism of disease.;Absent from controls (or at extremely low frequency if recessive) in Genome Aggregation Database, Exome Sequencing Project, 1000 Genomes Project, or Exome Aggregation Consortium.